The following is an entry in ClinVar:

NM_000016.6(ACADM):c.437del (p.Leu146fs)

Gene: ACADM (acyl-CoA dehydrogenase medium chain; plus strand). Cytogenetic location: 1p31.1.
Variant type: Deletion.
Coding change: c.437del on transcript NM_000016.6 (MANE Select); coding-DNA position 437, one base deleted (T; older notation c.437delT).
Protein change: p.Leu146fs; shifts the reading frame from leucine 146.
Molecular consequence: frameshift variant. On other transcripts: intron variant (1).
Genome position (GRCh38, 1-based): chr1:75,734,840, T deleted; the last of 3 consecutive T bases (chr1:75,734,838-75,734,840); deleting any one gives the same sequence. VCF-style (leftmost placement, unchanged base first): chr1-75734837-AT-A. GRCh37 (hg19) VCF-style: chr1-76200522-AT-A.
Other names: c.449del, p.Leu150fs (NM_001127328.3); c.329del, p.Leu110fs (NM_001286042.2); c.536del, p.Leu179fs (NM_001286043.2); c.-100+1918del (NM_001286044.2); c.437delT (NM_000016.5); short protein forms L150fs, L110fs, L146fs, L179fs.
Identifiers: ClinVar variation 370885 (VCV000370885.9), dbSNP rs749529577, ClinGen allele CA913106.

ClinVar aggregate classification (germline): Pathogenic/Likely pathogenic. Review status: criteria provided, multiple submitters, no conflicts (2 of 4 stars). 4 submissions from 4 submitters: Pathogenic (2); Likely pathogenic (1). 1 of the submissions does not count toward it. Last evaluated 2025-10-06.

Conditions:
Medium-chain acyl-coenzyme A dehydrogenase deficiency (ACADMD). Also called: MCADH DEFICIENCY; MCADD; Medium chain acyl-CoA dehydrogenase deficiency; MCAD Deficiency; ACADM DEFICIENCY; CARNITINE DEFICIENCY SECONDARY TO MEDIUM-CHAIN ACYL-CoA DEHYDROGENASE DEFICIENCY. Identifiers: Orphanet 42, MedGen C0220710, MONDO:0008721, OMIM 201450.

Submissions (4):

Natera, Inc.
Classification: Likely pathogenic for Medium Chain Acyl-CoA Dehydrogenase Deficiency. Last evaluated: 2025-10-06. Review status: criteria provided, single submitter. Criteria: Natera Variant Classification Schema (03/2026). Collection method: clinical testing. Allele origin: germline.
Comment: The c.437delT variant in ACADM is a frameshift variant predicted to shift the reading frame beginning at codon 146 and leads to a stop codon 4 codons downstream. This variant is expected to result in nonsense mediated decay, truncation, or a dysfunctional protein product. This variant is rare in the general population with a frequency below the threshold expected for the associated phenotype(s). Given the available evidence, this variant is classified as Likely Pathogenic.

Labcorp Genetics (formerly Invitae), Labcorp
Classification: Pathogenic for Medium-chain acyl-coenzyme A dehydrogenase deficiency. Last evaluated: 2023-06-09. Review status: criteria provided, single submitter. Criteria: Invitae Variant Classification Sherloc (09022015). Collection method: clinical testing. Allele origin: germline.
Comment: For these reasons, this variant has been classified as Pathogenic. ClinVar contains an entry for this variant (Variation ID: 370885). This variant has not been reported in the literature in individuals affected with ACADM-related conditions. This variant is present in population databases (rs749529577, gnomAD 0.003%). This sequence change creates a premature translational stop signal (p.Leu146Trpfs*4) in the ACADM gene. It is expected to result in an absent or disrupted protein product. Loss-of-function variants in ACADM are known to be pathogenic (PMID: 16121256, 20434380).

Baylor Genetics
Classification: Pathogenic for Medium-chain acyl-coenzyme A dehydrogenase deficiency. Last evaluated: 2022-10-26. Review status: criteria provided, single submitter. Criteria: ACMG Guidelines, 2015. Collection method: clinical testing. Allele origin: unknown.

Counsyl
Classification: Likely pathogenic for Medium-chain acyl-coenzyme A dehydrogenase deficiency. Last evaluated: 2016-05-09. Review status: no assertion criteria provided. Collection method: clinical testing. Allele origin: unknown. Not counted in ClinVar's aggregate classification.

Literature cited by the submitters: PubMed 16121256 (cited by Labcorp Genetics (formerly Invitae), Labcorp); PubMed 20434380 (cited by Labcorp Genetics (formerly Invitae), Labcorp).